The following is an entry in ClinVar:

ClinVar aggregate classification (germline): Uncertain significance. Review status: criteria provided, multiple submitters, no conflicts (2 of 4 stars). 2 submissions from 2 submitters: Uncertain significance (2). Last evaluated 2025-12-02.

Allele frequency attached by ClinVar (database versions not stated): ESP Exome Variant Server 0.00008; gnomAD exomes 0.00012; ExAC 0.00013; gnomAD 0.00013; TOPMed 0.00015.
gnomAD v4.1: 199 of 1,614,062 alleles (0.012%); highest among the groups gnomAD compares: Admixed American, 0.042%; no homozygotes.

Submissions (2):

Labcorp Genetics (formerly Invitae), Labcorp
Classification: Uncertain significance. Last evaluated: 2025-12-02. Review status: criteria provided, single submitter. Criteria: Invitae Variant Classification Sherloc (09022015). Collection method: clinical testing. Allele origin: germline.
Comment: This sequence change replaces alanine, which is neutral and non-polar, with valine, which is neutral and non-polar, at codon 2587 of the FAT2 protein (p.Ala2587Val). This variant is present in population databases (rs148551207, gnomAD 0.04%). This variant has not been reported in the literature in individuals affected with FAT2-related conditions. ClinVar contains an entry for this variant (Variation ID: 2068813). Invitae Evidence Modeling of protein sequence and biophysical properties (such as structural, functional, and spatial information, amino acid conservation, physicochemical variation, residue mobility, and thermodynamic stability) has been performed for this missense variant. However, the output from this modeling did not meet the statistical confidence thresholds required to predict the impact of this variant on FAT2 protein function. In summary, the available evidence is currently insufficient to determine the role of this variant in disease. Therefore, it has been classified as a Variant of Uncertain Significance.

Ambry Genetics
Classification: Uncertain significance. Last evaluated: 2024-12-14. Review status: criteria provided, single submitter. Criteria: Ambry Variant Classification Scheme 2023. Collection method: clinical testing. Allele origin: germline.

NM_001447.3(FAT2):c.7760C>T (p.Ala2587Val)

Genes: FAT2 (FAT atypical cadherin 2; minus strand), SLC36A1 (solute carrier family 36 member 1; plus strand). Cytogenetic location: 5q33.1.
Variant type: single nucleotide variant.
Coding change: c.7760C>T on transcript NM_001447.3 (MANE Select); coding-DNA position 7760, C replaced by T.
Protein change: p.Ala2587Val; replaces alanine 2587 with valine.
Molecular consequence: missense variant.
Genome position (GRCh38, 1-based): chr5:151,543,367, G>A on the plus strand (C>T on the coding strand, the complement: FAT2 is on the minus strand). VCF-style: chr5-151543367-G-A. GRCh37 (hg19) VCF-style: chr5-150922928-G-A.
Other names: short protein forms A2587V.
Identifiers: ClinVar variation 2068813 (VCV002068813.5), dbSNP rs148551207, ClinGen allele CA3520906.